The following is an entry in ClinVar:

NM_032119.4(ADGRV1):c.9607T>A (p.Ser3203Thr)

Gene: ADGRV1 (adhesion G protein-coupled receptor V1; plus strand). Cytogenetic location: 5q14.3.
Variant type: single nucleotide variant.
Coding change: c.9607T>A on transcript NM_032119.4 (MANE Select); coding-DNA position 9607, T replaced by A.
Protein change: p.Ser3203Thr; replaces serine 3203 with threonine.
Molecular consequence: missense variant. On other transcripts: non-coding transcript variant (1).
Genome position (GRCh38, 1-based): chr5:90,720,207, T>A. VCF-style: chr5-90720207-T-A. GRCh37 (hg19) VCF-style: chr5-90016024-T-A.
Other names: short protein forms S3203T.
Identifiers: ClinVar variation 163590 (VCV000163590.22), dbSNP rs116480183, ClinGen allele CA176208.

ClinVar aggregate classification (germline): Benign/Likely benign. Review status: criteria provided, multiple submitters, no conflicts (2 of 4 stars). 8 submissions from 8 submitters: Benign (4); Likely benign (4). Last evaluated 2026-02-01.

Conditions:
Usher syndrome type 2C. Also called: Usher syndrome, type 2B; USHER SYNDROME, TYPE IIC. Identifiers: Orphanet 231178, Orphanet 886, MedGen C2931213, MONDO:0011558, OMIM 605472.

Allele frequency attached by ClinVar (database versions not stated): gnomAD 0.00486 and 0.00517; ESP Exome Variant Server 0.00495; TOPMed 0.00534; 1000 Genomes Project 0.00699; 1000 Genomes Project 30x 0.00765.
gnomAD v4.1: 1,434 of 1,553,054 alleles (0.092%); highest among the groups gnomAD compares: African/African-American, 1.7%; 9 homozygotes.

Submissions (8):

Labcorp Genetics (formerly Invitae), Labcorp
Classification: Benign. Last evaluated: 2026-02-01. Review status: criteria provided, single submitter. Criteria: Invitae Variant Classification Sherloc (09022015). Collection method: clinical testing. Allele origin: germline.

Blueprint Genetics
Classification: Likely benign. Last evaluated: 2024-10-18. Review status: criteria provided, single submitter. Criteria: ACMG Guidelines, 2015. Collection method: clinical testing. Allele origin: germline.

GeneDx
Classification: Benign. Last evaluated: 2019-03-04. Review status: criteria provided, single submitter. Criteria: GeneDx Variant Classification Process June 2021. Collection method: clinical testing. Allele origin: germline. Affected: yes.

Athena Diagnostics
Classification: Benign. Last evaluated: 2018-08-10. Review status: criteria provided, single submitter. Criteria: Athena Diagnostics Criteria. Collection method: clinical testing. Allele origin: germline.

Illumina Laboratory Services, Illumina
Classification: Likely benign for Usher syndrome type 2C. Last evaluated: 2018-01-12. Review status: criteria provided, single submitter. Criteria: ICSL Variant Classification Criteria 13 December 2019. Collection method: clinical testing. Allele origin: germline.
Comment: This variant was observed in the ICSL laboratory as part of a predisposition screen in an ostensibly healthy population. It had not been previously curated by ICSL or reported in the Human Gene Mutation Database (HGMD: prior to June 1st, 2018), and was therefore a candidate for classification through an automated scoring system. Utilizing variant allele frequency, disease prevalence and penetrance estimates, and inheritance mode, an automated score was calculated to assess if this variant is too frequent to cause the disease. Based on the score and internal cut-off values, a variant classified as likely benign is not then subjected to further curation. The score for this variant resulted in a classification of likely benign for this disease.

Center for Pediatric Genomic Medicine, Children's Mercy Hospital and Clinics
Classification: Likely benign. Last evaluated: 2017-02-22. Review status: criteria provided, single submitter. Criteria: ACMG Guidelines, 2015. Collection method: clinical testing. Allele origin: germline.

Laboratory for Molecular Medicine, Mass General Brigham Personalized Medicine
Classification: Benign. Last evaluated: 2012-04-30. Review status: criteria provided, single submitter. Criteria: LMM Criteria. Collection method: clinical testing. Allele origin: germline. Observed: 7 variant alleles.
Comment: Ser3203Thr in Exon 44 of GPR98: This variant is not expected to have clinical si gnificance because it has been identified in 1.5% (42/2890) of African American chromosomes from a broad population by the NHLBI Exome Sequencing Project (dbSNP rs116480183).

Breakthrough Genomics
Classification: Likely benign. Review status: criteria provided, single submitter. Criteria: ACMG Guidelines, 2015. Collection method: not provided. Allele origin: germline. Inheritance: Autosomal recessive inheritance. Affected: yes.